The following is an entry in ClinVar:

ClinVar aggregate classification (germline): Uncertain significance (1 of 4 stars; one submission).

Conditions:
Familial thoracic aortic aneurysm and aortic dissection (TAAD). Also called: Thoracic aortic aneurysms and dissections. Identifiers: Orphanet 91387, MedGen C4707243, MONDO:0019625.

Submission:

Color Diagnostics, LLC DBA Color Health
Classification: Uncertain significance for Familial thoracic aortic aneurysm and aortic dissection. Last evaluated: 2025-07-14. Review status: criteria provided, single submitter. Criteria: ACMG Guidelines, 2015. Collection method: clinical testing. Allele origin: germline.
Comment: This variant causes an A to T nucleotide substitution at the +4 position of intron 7/8 of the SMAD3 gene. To our knowledge, functional studies have not been reported for this variant. This variant has not been reported in individuals affected with SMAD3-related disorders in the literature. This variant has not been identified in the general population by the Genome Aggregation Database (gnomAD). The available evidence is insufficient to determine the role of this variant in disease conclusively. Therefore, this variant is classified as a Variant of Uncertain Significance.

NM_005902.4(SMAD3):c.1009+4A>T

Gene: SMAD3 (SMAD family member 3; plus strand). Cytogenetic location: 15q22.33.
Variant type: single nucleotide variant.
Coding change: c.1009+4A>T on transcript NM_005902.4 (MANE Select); 4 bases into the intron after coding-DNA position 1009, A replaced by T.
Molecular consequence: intron variant.
Genome position (GRCh38, 1-based): chr15:67,184,868, A>T. VCF-style: chr15-67184868-A-T. GRCh37 (hg19) VCF-style: chr15-67477206-A-T.
Other names: c.1009+4A>T (NM_001407011.1); c.872-2497A>T (NM_001407013.1); c.877+4A>T (NM_001407012.1, NM_001145103.2); c.862+4A>T (NM_001407014.1); c.694+4A>T (NM_001145102.2, NM_001407016.1); c.562+4A>T (NM_001407015.1); c.424+4A>T (NM_001145104.2, NM_001407017.1).
Identifiers: ClinVar variation 4757447 (VCV004757447.1).